The following is an entry in ClinVar:

NM_000053.4(ATP7B):c.3275C>T (p.Thr1092Met)

Gene: ATP7B (ATPase copper transporting beta; minus strand). Cytogenetic location: 13q14.3.
Variant type: single nucleotide variant.
Coding change: c.3275C>T on transcript NM_000053.4 (MANE Select); coding-DNA position 3275, C replaced by T.
Protein change: p.Thr1092Met; replaces threonine 1092 with methionine.
Molecular consequence: missense variant.
Genome position (GRCh38, 1-based): chr13:51,942,523, G>A on the plus strand (C>T on the coding strand, the complement: ATP7B is on the minus strand). VCF-style: chr13-51942523-G-A. GRCh37 (hg19) VCF-style: chr13-52516659-G-A.
Other names: p.Thr1092Met; c.2654C>T, p.Thr885Met (NM_001005918.3); c.2942C>T, p.Thr981Met (NM_001243182.2); c.3041C>T, p.Thr1014Met (NM_001330578.2); c.3023C>T, p.Thr1008Met (NM_001330579.2); short protein forms T1092M, T1008M, T1014M, T981M, T885M.
Identifiers: ClinVar variation 312382 (VCV000312382.50), dbSNP rs368545738, ClinGen allele CA6988748.

ClinVar aggregate classification (germline): Conflicting classifications of pathogenicity. Review status: criteria provided, conflicting classifications (1 of 4 stars). 13 submissions from 13 submitters: Pathogenic (1); Likely pathogenic (2); Uncertain significance (10). Last evaluated 2026-05-03.

Conditions:
Wilson disease (WND). Also called: Wilson's disease. Identifiers: Orphanet 905, MedGen C0019202, MONDO:0010200, OMIM 277900. Disease mechanism: loss of function.

Allele frequency attached by ClinVar (database versions not stated): gnomAD exomes 0.00006 and 0.00009; ExAC 0.00010; gnomAD 0.00010 and 0.00012; ESP Exome Variant Server 0.00016; TOPMed 0.00017.

Submissions (13):

GeneDx
Classification: Uncertain significance. Last evaluated: 2026-05-03. Review status: criteria provided, single submitter. Criteria: GeneDx Variant Classification Process June 2021. Collection method: clinical testing. Allele origin: germline.
Comment: In silico analysis supports that this missense variant has a deleterious effect on protein structure/function; This variant is associated with the following publications: (PMID: 34426522, 23518715, 29085216, 35731603)

Labcorp Genetics (formerly Invitae), Labcorp
Classification: Pathogenic for Wilson disease. Last evaluated: 2026-01-06. Review status: criteria provided, single submitter. Criteria: Invitae Variant Classification Sherloc (09022015). Collection method: clinical testing. Allele origin: germline.
Comment: This sequence change replaces threonine, which is neutral and polar, with methionine, which is neutral and non-polar, at codon 1092 of the ATP7B protein (p.Thr1092Met). This variant is present in population databases (rs368545738, gnomAD 0.03%). This missense change has been observed in individual(s) with Wilson disease (PMID: 29085216). In at least one individual the data is consistent with being in trans (on the opposite chromosome) from a pathogenic variant. ClinVar contains an entry for this variant (Variation ID: 312382). Invitae Evidence Modeling of protein sequence and biophysical properties (such as structural, functional, and spatial information, amino acid conservation, physicochemical variation, residue mobility, and thermodynamic stability) indicates that this missense variant is not expected to disrupt ATP7B protein function with a negative predictive value of 80%. This variant disrupts the p.Thr1092 amino acid residue in ATP7B. Other variant(s) that disrupt this residue have been determined to be pathogenic (PMID: 34470610, 35220961, 35271763). This suggests that this residue is clinically significant, and that variants that disrupt this residue are likely to be disease-causing. For these reasons, this variant has been classified as Pathogenic.

Natera, Inc.
Classification: Likely pathogenic for Wilson disease. Last evaluated: 2025-09-13. Review status: criteria provided, single submitter. Criteria: Natera Variant Classification Schema (03/2026). Collection method: clinical testing. Allele origin: germline.
Comment: The c.3275C>T variant in ATP7B is a missense variant predicted to cause substitution of threonine to methionine at amino acid 1092. This variant is rare in the general population with a frequency below the threshold expected for the associated phenotype(s). This variant has been observed in one or more individuals affected with the associated recessive disease, as either homozygous or compound heterozygous with a second variant (PMID: 35731603, 29085216). Multiple computational prediction algorithms suggest this variant is unlikely to affect gene or protein function. Given the available evidence, this variant is classified as Likely Pathogenic.

Genomic Medicine Center of Excellence, King Faisal Specialist Hospital and Research Centre
Classification: Uncertain significance for Wilson disease. Last evaluated: 2025-09-10. Review status: criteria provided, single submitter. Criteria: ACMG Guidelines, 2015. Collection method: clinical testing. Allele origin: germline.

Women's Health and Genetics/Laboratory Corporation of America, LabCorp
Classification: Likely pathogenic for Wilson disease. Last evaluated: 2025-08-15. Review status: criteria provided, single submitter. Criteria: LabCorp Variant Classification Summary - May 2015. Collection method: clinical testing. Allele origin: germline.
Comment: Variant summary: ATP7B c.3275C>T (p.Thr1092Met) results in a non-conservative amino acid change located in the P-type ATPase, haloacid dehalogenase domain (IPR044492) of the encoded protein sequence. Algorithms developed to predict the effect of missense changes on protein structure and function are either unavailable or do not agree on the potential impact of this missense change. The variant allele was found at a frequency of 9.2e-05 in 249560 control chromosomes. This frequency is not significantly higher than estimated for a pathogenic variant in ATP7B causing Wilson Disease (9.2e-05 vs 0.0054), allowing no conclusion about variant significance. c.3275C>T has been observed in compound heterozygous individual(s) affected with Wilson Disease (e.g. Barada_2017, Levkova_2022). These data indicate that the variant may be associated with disease. To our knowledge, no experimental evidence demonstrating an impact on protein function has been reported. The following publications have been ascertained in the context of this evaluation (PMID: 29085216, 23518715, 35731603). ClinVar contains an entry for this variant (Variation ID: 312382). Based on the evidence outlined above, the variant was classified as likely pathogenic.

Color Diagnostics, LLC DBA Color Health
Classification: Uncertain significance for Wilson disease. Last evaluated: 2025-06-12. Review status: criteria provided, single submitter. Criteria: ACMG Guidelines, 2015. Collection method: clinical testing. Allele origin: germline.
Comment: This missense variant replaces threonine with methionine at codon 1092 of the ATP7B protein. Computational prediction suggests that this variant may not impact protein structure and function. This variant alters a conserved threonine residue in the N domain of the ATP7B protein (a.a. 1032 - 1196), a highly conserved region that is considered to be important for ATP7B protein function (PMID: 35245129ClinVar). To our knowledge, functional studies have not been reported for this variant. This variant has been observed in compound heterozygosity with a second pathogenic variant in an individual affected with autosomal recessive Wilson disease (PMID: 29085216), indicating that this variant contributes to disease. This variant has been identified in 28/280954 chromosomes in the general population by the Genome Aggregation Database (gnomAD). A different variant at the same codon, c.3274A>C (p.Thr1092Pro), has been detected in individuals affected with Wilson disease (PMID: 27022412, 34470610, 35271763ClinVar Variation ID: 3576291). Although there is suspicion that this variant may be associated with disease, additional studies are necessary to determine the role of this variant in disease conclusively. Therefore, this variant is classified as a Variant of Uncertain Significance.

Mayo Clinic Laboratories, Mayo Clinic
Classification: Uncertain significance. Last evaluated: 2025-05-15. Review status: criteria provided, single submitter. Criteria: ACMG Guidelines, 2015. Collection method: clinical testing. Allele origin: germline. Observed: 2 variant alleles.
Comment: BP4, PM2_supporting, PM3_strong

All of Us Research Program, National Institutes of Health
Classification: Uncertain significance for Wilson disease. Last evaluated: 2024-09-23. Review status: criteria provided, single submitter. Criteria: ACMG Guidelines, 2015. Collection method: clinical testing. Allele origin: germline. Inheritance: Autosomal recessive inheritance. Observed: 27 variant alleles, 27 heterozygotes.
Comment: This missense variant replaces threonine with methionine at codon 1092 of the ATP7B protein. Computational prediction suggests that this variant may not impact protein structure and function (internally defined REVEL score threshold <= 0.5, PMID: 27666373). To our knowledge, functional studies have not been reported for this variant. This variant has not been reported in individuals affected with wilson disease in the literature. This variant has been identified in 28/280954 chromosomes in the general population by the Genome Aggregation Database (gnomAD). The available evidence is insufficient to determine the role of this variant in disease conclusively. Therefore, this variant is classified as a Variant of Uncertain Significance.

This study involves interpretation of variants in research participants for the purpose of population health screening. Participant phenotype was not available at the time of variant classification. Additional details can be found in publication PMID: 35346344, PMCID: PMC8962531

Blueprint Genetics
Classification: Uncertain significance. Last evaluated: 2024-06-20. Review status: criteria provided, single submitter. Criteria: ACMG Guidelines, 2015. Collection method: clinical testing. Allele origin: germline.

Fulgent Genetics
Classification: Uncertain significance for Wilson disease. Last evaluated: 2024-06-14. Review status: criteria provided, single submitter. Criteria: ACMG Guidelines, 2015. Collection method: clinical testing. Allele origin: germline.

CeGaT Center for Human Genetics Tuebingen
Classification: Uncertain significance. Last evaluated: 2022-04-01. Review status: criteria provided, single submitter. Criteria: CeGaT Center For Human Genetics Tuebingen Variant Classification Criteria Version 2. Collection method: clinical testing. Allele origin: germline. Affected: yes. Observed: 1 variant allele.
Comment: ATP7B: PM2, PM3:Supporting, PP4

Illumina Laboratory Services, Illumina
Classification: Uncertain significance for Wilson disease. Last evaluated: 2018-01-12. Review status: criteria provided, single submitter. Criteria: ICSL Variant Classification Criteria 13 December 2019. Collection method: clinical testing. Allele origin: germline.

Neuberg Centre For Genomic Medicine, NCGM
Classification: Uncertain significance for Wilson disease. Review status: criteria provided, single submitter. Criteria: ACMG Guidelines, 2015. Collection method: clinical testing. Allele origin: germline. Inheritance: Autosomal recessive inheritance. Affected: yes.
Comment: The missense c.3275C>T(p.Thr1092Met) variant in ATP7B gene has been reported previously in compound heterozygous state in individual(s) affected with Wilson's disease (Barada K, et. al., 2017). The p.Thr1092Met variant has been reported with allele frequency of 0.009% in gnomAD Exomes and is novel (not in any individuals) in 1000 Genomes. This variant has been reported to the ClinVar database as Uncertain Significance. The amino acid Thr at position 1092 is changed to a Met changing protein sequence and it might alter its composition and physico-chemical properties. For these reasons, this variant has been classified as a Variant of Uncertain Significance (VUS). In absence of another reportable variant in ATP7B gene, the molecular diagnosis is not confirmed.

Literature cited by the submitters: PubMed 29085216 (cited by 5 submitters); PubMed 34470610 (cited by Labcorp Genetics (formerly Invitae), Labcorp and Color Diagnostics, LLC DBA Color Health); PubMed 35220961 (cited by Labcorp Genetics (formerly Invitae), Labcorp); PubMed 35271763 (cited by Labcorp Genetics (formerly Invitae), Labcorp and Color Diagnostics, LLC DBA Color Health); PubMed 35731603 (cited by 3 submitters); PubMed 23518715 (cited by Women's Health and Genetics/Laboratory Corporation of America, LabCorp); PubMed 3576291 (cited by Color Diagnostics, LLC DBA Color Health); PubMed 27022412 (cited by Color Diagnostics, LLC DBA Color Health); PubMed 35245129 (cited by Color Diagnostics, LLC DBA Color Health).